The following is an entry in ClinVar:

NM_017654.4(SAMD9):c.4027A>G (p.Lys1343Glu)

Gene: SAMD9 (sterile alpha motif domain containing 9; minus strand). Cytogenetic location: 7q21.2.
Variant type: single nucleotide variant.
Coding change: c.4027A>G on transcript NM_017654.4 (MANE Select); coding-DNA position 4027, A replaced by G.
Protein change: p.Lys1343Glu; replaces lysine 1343 with glutamic acid.
Molecular consequence: missense variant.
Genome position (GRCh38, 1-based): chr7:93,102,071, T>C on the plus strand (A>G on the coding strand, the complement: SAMD9 is on the minus strand). VCF-style: chr7-93102071-T-C. GRCh37 (hg19) VCF-style: chr7-92731384-T-C.
Other names: c.4027A>G (NM_017654.3); c.4027A>G, p.Lys1343Glu (NM_001193307.2); short protein forms K1343E.
Identifiers: ClinVar variation 3675109 (VCV003675109.3).
Genomic context (GRCh38, chr7:93,102,071, plus strand): 5'-TCATAGTGCTTATAGCATCCTCTTGACTTTTGATAAGATATTCCAAGAGCCCAGAAAACT[T>C]GTCTGCTTTTAAAGCTACTAGGTTTCTCCTGCATCTCTCTACTTGAAGTGGCTCACTGAA-3'
Protein context (NP_060124.2, residues 1333-1353): RRNLVALKAD[Lys1343Glu]FSGLLEYLIK

ClinVar aggregate classification (germline): Uncertain significance. Review status: criteria provided, multiple submitters, no conflicts (2 of 4 stars). 2 submissions from 2 submitters: Uncertain significance (2). Last evaluated 2025-07-21.

Conditions:
Inborn genetic diseases. Identifiers: MedGen C0950123, MeSH D030342.

gnomAD v4.1: 6 of 1,613,026 alleles (0.00037%); highest among the groups gnomAD compares: African/African-American, 0.008%; 1 homozygote.

Submissions (2):

Labcorp Genetics (formerly Invitae), Labcorp
Classification: Uncertain significance. Last evaluated: 2025-07-21. Review status: criteria provided, single submitter. Criteria: Invitae Variant Classification Sherloc (09022015). Collection method: clinical testing. Allele origin: germline.
Comment: This sequence change replaces lysine, which is basic and polar, with glutamic acid, which is acidic and polar, at codon 1343 of the SAMD9 protein (p.Lys1343Glu). The frequency data for this variant in the population databases is considered unreliable, as metrics indicate poor data quality at this position in the gnomAD database. This variant has not been reported in the literature in individuals affected with SAMD9-related conditions. ClinVar contains an entry for this variant (Variation ID: 3675109). Invitae Evidence Modeling of protein sequence and biophysical properties (such as structural, functional, and spatial information, amino acid conservation, physicochemical variation, residue mobility, and thermodynamic stability) indicates that this missense variant is not expected to disrupt SAMD9 protein function with a negative predictive value of 95%. In summary, the available evidence is currently insufficient to determine the role of this variant in disease. Therefore, it has been classified as a Variant of Uncertain Significance.

Ambry Genetics
Classification: Uncertain significance for Inborn genetic diseases. Last evaluated: 2024-12-22. Review status: criteria provided, single submitter. Criteria: Ambry Variant Classification Scheme 2023. Collection method: clinical testing. Allele origin: germline.
Comment: The p.K1343E variant (also known as c.4027A>G), located in coding exon 1 of the SAMD9 gene, results from an A to G substitution at nucleotide position 4027. The lysine at codon 1343 is replaced by glutamic acid, an amino acid with similar properties. This amino acid position is conserved. In addition, this alteration is predicted to be tolerated by in silico analysis. Based on the available evidence, the clinical significance of this variant remains unclear.